The following is an entry in ClinVar:

ClinVar aggregate classification (germline): Uncertain significance (1 of 4 stars; one submission).

Submission:

GeneDx
Classification: Uncertain significance. Last evaluated: 2024-12-18. Review status: criteria provided, single submitter. Criteria: GeneDx Variant Classification Process June 2021. Collection method: clinical testing. Allele origin: germline. Affected: yes.
Comment: Not observed at significant frequency in large population cohorts (gnomAD); In silico analysis supports that this missense variant has a deleterious effect on protein structure/function; Has not been previously published as pathogenic or benign to our knowledge; This variant is associated with the following publications: (PMID: 25512093, 25609763, 26100331)

NM_001376.5(DYNC1H1):c.6477C>A (p.Ser2159Arg)

Gene: DYNC1H1 (dynein cytoplasmic 1 heavy chain 1; plus strand). Cytogenetic location: 14q32.31.
Variant type: single nucleotide variant.
Coding change: c.6477C>A on transcript NM_001376.5 (MANE Select); coding-DNA position 6477, C replaced by A.
Protein change: p.Ser2159Arg; replaces serine 2159 with arginine.
Molecular consequence: missense variant.
Genome position (GRCh38, 1-based): chr14:102,010,811, C>A. VCF-style: chr14-102010811-C-A. GRCh37 (hg19) VCF-style: chr14-102477148-C-A.
Other names: short protein forms S2159R.
Identifiers: ClinVar variation 3906788 (VCV003906788.1).
Genomic context (GRCh38, chr14:102,010,811, plus strand): 5'-GAGCGTCTGTGAGACGATGGTGCCAAAGCTGGTGGCAGAGGACATCCCGCTGCTCTTCAG[C>A]CTCCTGTCGGACGTGTTCCCTGGAGTCCAGTATCACAGGGGTGAGATGACTGCCCTTCGA-3'
Protein context (NP_001367.2, residues 2149-2169): LVAEDIPLLF[Ser2159Arg]LLSDVFPGVQ